The following is an entry in ClinVar:

ClinVar aggregate classification (germline): Likely benign. Review status: criteria provided, multiple submitters, no conflicts (2 of 4 stars). 7 submissions from 7 submitters: Likely benign (7). Last evaluated 2025-11-26.

Conditions:
TTN-related disorder. Also called: TTN-related disorders; TTN-related condition; TTN-related disease.
Cardiovascular phenotype. Identifiers: MedGen CN230736.
Dilated cardiomyopathy 1G (CMD1G). Identifiers: Orphanet 154, MedGen C1858763, MONDO:0011400, OMIM 604145.
Autosomal recessive limb-girdle muscular dystrophy type 2J (LGMDR10). Also called: Limb-girdle muscular dystrophy, type 2J; MUSCULAR DYSTROPHY, LIMB-GIRDLE, AUTOSOMAL RECESSIVE 10. Identifiers: Orphanet 140922, MedGen C1837342, MONDO:0012127, OMIM 608807.
Early-onset myopathy with fatal cardiomyopathy (CMYO5). Also called: CONGENITAL MYOPATHY 5 WITH CARDIOMYOPATHY; Salih Myopathy. Identifiers: Orphanet 289377, MedGen C2673677, MONDO:0012714, OMIM 611705. Disease mechanism: loss of function.
Tibial muscular dystrophy (TMD). Also called: Tibial muscular dystrophy, tardive; Udd Distal Myopathy – Tibial Muscular Dystrophy; UDD MYOPATHY. Identifiers: Orphanet 609, MedGen C1838244, MONDO:0010870, OMIM 600334.
Myopathy, myofibrillar, 9, with early respiratory failure (MFM9). Also called: Myopathy, distal, with early respiratory failure, autosomal dominant; MYOPATHY, PROXIMAL, WITH EARLY RESPIRATORY MUSCLE INVOLVEMENT; Hereditary myopathy with early respiratory failure; EDSTROM MYOPATHY. Identifiers: Orphanet 178464, Orphanet 34521, MedGen C1863599, MONDO:0011362, OMIM 603689.
Hypertrophic cardiomyopathy 9. Also called: Familial hypertrophic cardiomyopathy 9. Identifiers: MedGen C1861065, MONDO:0013412, OMIM 613765.

Allele frequency attached by ClinVar (database versions not stated): gnomAD exomes 0.00005 and 0.00010; gnomAD 0.00007 and 0.00008; TOPMed 0.00008; ExAC 0.00010; 1000 Genomes Project 0.00020; ESP Exome Variant Server 0.00024; 1000 Genomes Project 30x 0.00031.
gnomAD v4.1: 156 of 1,613,144 alleles (0.0097%); highest among the groups gnomAD compares: African/African-American, 0.012%; no homozygotes.

Submissions (7):

Labcorp Genetics (formerly Invitae), Labcorp
Classification: Likely benign for Dilated cardiomyopathy 1G; Autosomal recessive limb-girdle muscular dystrophy type 2J. Last evaluated: 2025-11-26. Review status: criteria provided, single submitter. Criteria: Invitae Variant Classification Sherloc (09022015). Collection method: clinical testing. Allele origin: germline.

PreventionGenetics, part of Exact Sciences
Classification: Likely benign for TTN-related condition. Last evaluated: 2025-06-23. Review status: criteria provided, single submitter. Criteria: ACMG Guidelines, 2015. Collection method: clinical testing. Allele origin: germline.
Comment: This variant is classified as likely benign based on ACMG/AMP sequence variant interpretation guidelines (Richards et al. 2015 PMID: 25741868, with internal and published modifications).

Molecular Diagnostic Laboratory for Inherited Cardiovascular Disease, Montreal Heart Institute
Classification: Likely benign. Last evaluated: 2025-04-09. Review status: criteria provided, single submitter. Criteria: ACMG Guidelines, 2015. Collection method: clinical testing. Allele origin: germline. Affected: no.

Fulgent Genetics
Classification: Likely benign for Tibial muscular dystrophy; Myopathy, myofibrillar, 9, with early respiratory failure; Dilated cardiomyopathy 1G; Autosomal recessive limb-girdle muscular dystrophy type 2J; Early-onset myopathy with fatal cardiomyopathy; Hypertrophic cardiomyopathy 9. Last evaluated: 2021-07-20. Review status: criteria provided, single submitter. Criteria: ACMG Guidelines, 2015. Collection method: clinical testing. Allele origin: unknown.

Ambry Genetics
Classification: Likely benign for Cardiovascular phenotype. Last evaluated: 2019-12-05. Review status: criteria provided, single submitter. Criteria: Ambry Variant Classification Scheme 2023. Collection method: clinical testing. Allele origin: germline.

GeneDx
Classification: Likely benign. Last evaluated: 2019-04-04. Review status: criteria provided, single submitter. Criteria: GeneDx Variant Classification Process June 2021. Collection method: clinical testing. Allele origin: germline. Affected: yes.

Laboratory for Molecular Medicine, Mass General Brigham Personalized Medicine
Classification: Likely benign. Last evaluated: 2015-04-07. Review status: criteria provided, single submitter. Criteria: LMM Criteria. Collection method: clinical testing. Allele origin: germline. Observed: 1 variant allele.
Comment: p.Ala18874Ala in exon 257 of TTN: This variant is not expected to have clinical significance because it does not alter an amino acid residue and is not located within the splice consensus sequence. It has been identified in 10/66668 Europea n chromosomes and 2/8520 East Asian chromosomes by the Exome Aggregation Consort ium (ExAC; dbSNP rs377109969) as well as in 1/33 14 African American chromosomes by the NHLBI Exome Sequencing Project (s.).

NM_001267550.2(TTN):c.64326G>A (p.Ala21442=)

Genes: TTN (titin; minus strand), TTN-AS1 (TTN antisense RNA 1; plus strand). Cytogenetic location: 2q31.2.
Variant type: single nucleotide variant.
Coding change: c.64326G>A on transcript NM_001267550.2 (MANE Select); coding-DNA position 64326, G replaced by A.
Protein change: p.Ala21442=; no amino-acid change (alanine 21442 retained).
Molecular consequence: synonymous variant.
Genome position (GRCh38, 1-based): chr2:178,586,575, C>T on the plus strand (G>A on the coding strand, the complement: TTN is on the minus strand). VCF-style: chr2-178586575-C-T. GRCh37 (hg19) VCF-style: chr2-179451302-C-T.
Other names: c.56622G>A, p.Ala18874= (NM_133378.4); c.59403G>A, p.Ala19801= (NM_001256850.1); c.37131G>A, p.Ala12377= (NM_003319.4); c.37506G>A, p.Ala12502= (NM_133432.3); c.37707G>A, p.Ala12569= (NM_133437.4).
Identifiers: ClinVar variation 228123 (VCV000228123.23), dbSNP rs377109969, ClinGen allele CA1991923.